The following is an entry in ClinVar:

NC_000003.12:g.165062482CT[1]

Gene: SI (sucrase-isomaltase; minus strand). Cytogenetic location: 3q26.1.
Variant type: Microsatellite.
Genome position: GRCh38 VCF-style: chr3-165062480-ATC-A. GRCh37 (hg19) VCF-style: chr3-164780268-ATC-A.
Identifiers: ClinVar variation 2099758 (VCV002099758.5), dbSNP rs2473418793, ClinGen allele CA2580616003.

ClinVar aggregate classification (germline): Pathogenic (1 of 4 stars; one submission).

Submission:

Labcorp Genetics (formerly Invitae), Labcorp
Classification: Pathogenic. Last evaluated: 2024-02-24. Review status: criteria provided, single submitter. Criteria: Invitae Variant Classification Sherloc (09022015). Collection method: clinical testing. Allele origin: germline.
Comment: This sequence change creates a premature translational stop signal (p.Glu303Aspfs*12) in the SI gene. It is expected to result in an absent or disrupted protein product. Loss-of-function variants in SI are known to be pathogenic (PMID: 16329100, 23103650, 25452324). This variant is not present in population databases (gnomAD no frequency). This variant has not been reported in the literature in individuals affected with SI-related conditions. For these reasons, this variant has been classified as Pathogenic.

Literature cited by the submitters: PubMed 16329100; PubMed 23103650; PubMed 25452324.